The following is an entry in ClinVar:

ClinVar aggregate classification (germline): Uncertain significance (1 of 4 stars; one submission).

Conditions:
Ullrich congenital muscular dystrophy 2 (UCMD2). Identifiers: Orphanet 75840, MedGen C4225314, MONDO:0014654, OMIM 616470.
Bethlem myopathy 2 (BTHLM2). Identifiers: Orphanet 536516, Orphanet 610, MedGen C4225313, MONDO:0034022, OMIM 616471.

Allele frequency attached by ClinVar (database versions not stated): gnomAD exomes below 0.00001.
gnomAD v4.1: 1 of 1,613,910 alleles (0.000062%); highest among the groups gnomAD compares: South Asian, 0.0011%; no homozygotes.

Submission:

Labcorp Genetics (formerly Invitae), Labcorp
Classification: Uncertain significance for Bethlem myopathy 2; Ullrich congenital muscular dystrophy 2. Last evaluated: 2023-07-21. Review status: criteria provided, single submitter. Criteria: Invitae Variant Classification Sherloc (09022015). Collection method: clinical testing. Allele origin: germline.
Comment: This sequence change replaces glutamine, which is neutral and polar, with arginine, which is basic and polar, at codon 2392 of the COL12A1 protein (p.Gln2392Arg). In summary, the available evidence is currently insufficient to determine the role of this variant in disease. Therefore, it has been classified as a Variant of Uncertain Significance. Advanced modeling of protein sequence and biophysical properties (such as structural, functional, and spatial information, amino acid conservation, physicochemical variation, residue mobility, and thermodynamic stability) performed at Invitae indicates that this missense variant is not expected to disrupt COL12A1 protein function. This variant has not been reported in the literature in individuals affected with COL12A1-related conditions. This variant is present in population databases (no rsID available, gnomAD 0.003%).

NM_004370.6(COL12A1):c.7175A>G (p.Gln2392Arg)

Genes: COL12A1 (collagen type XII alpha 1 chain; minus strand), LOC126859712 (MED14-independent group 3 enhancer GRCh37_chr6:75828643-75829842; plus strand). Cytogenetic location: 6q13.
Variant type: single nucleotide variant.
Coding change: c.7175A>G on transcript NM_004370.6 (MANE Select); coding-DNA position 7175, A replaced by G.
Protein change: p.Gln2392Arg; replaces glutamine 2392 with arginine.
Molecular consequence: missense variant.
Genome position (GRCh38, 1-based): chr6:75,119,385, T>C on the plus strand (A>G on the coding strand, the complement: COL12A1 is on the minus strand). VCF-style: chr6-75119385-T-C. GRCh37 (hg19) VCF-style: chr6-75829101-T-C.
Other names: c.7175A>G, p.Gln2392Arg (NM_001424113.1); c.7154A>G, p.Gln2385Arg (NM_001424114.1); c.6902A>G, p.Gln2301Arg (NM_001424115.1); c.3683A>G, p.Gln1228Arg (NM_001424116.1, NM_080645.3); short protein forms Q1228R, Q2392R, Q2301R, Q2385R.
Identifiers: ClinVar variation 2948350 (VCV002948350.3), dbSNP rs1389027764, ClinGen allele CA364748576.